The following is an entry in ClinVar:

NM_000455.5(STK11):c.67G>C (p.Asp23His)

Gene: STK11 (serine/threonine kinase 11; plus strand). Cytogenetic location: 19p13.3.
Variant type: single nucleotide variant.
Coding change: c.67G>C on transcript NM_000455.5 (MANE Select); coding-DNA position 67, G replaced by C.
Protein change: p.Asp23His; replaces aspartic acid 23 with histidine.
Molecular consequence: missense variant.
Genome position (GRCh38, 1-based): chr19:1,206,980, G>C. VCF-style: chr19-1206980-G-C. GRCh37 (hg19) VCF-style: chr19-1206979-G-C.
Other names: short protein forms D23H.
Identifiers: ClinVar variation 947242 (VCV000947242.8), dbSNP rs2080670686, ClinGen allele CA402943450.

ClinVar aggregate classification (germline): Uncertain significance. Review status: criteria provided, multiple submitters, no conflicts (2 of 4 stars). 2 submissions from 2 submitters: Uncertain significance (2). Last evaluated 2026-07-02.

Conditions:
Peutz-Jeghers syndrome (PJS). Also called: POLYPOSIS, HAMARTOMATOUS INTESTINAL; POLYPS-AND-SPOTS SYNDROME; Peutz-Jeghers polyposis; Periorificial lentiginosis syndrome. Identifiers: Orphanet 2869, MedGen C0031269, MeSH D010580, MONDO:0008280, OMIM 175200.
Hereditary cancer-predisposing syndrome. Also called: Neoplastic Syndromes, Hereditary; Hereditary Cancer Syndrome; Tumor predisposition; Hereditary neoplastic syndrome. Identifiers: Orphanet 140162, MedGen C0027672, MeSH D009386, MONDO:0015356.

Submissions (2):

Ambry Genetics
Classification: Uncertain significance for Hereditary cancer-predisposing syndrome. Last evaluated: 2026-07-02. Review status: criteria provided, single submitter. Criteria: Ambry Variant Classification Scheme 2023. Collection method: clinical testing. Allele origin: germline.
Comment: The p.D23H variant (also known as c.67G>C), located in coding exon 1 of the STK11 gene, results from a G to C substitution at nucleotide position 67. The aspartic acid at codon 23 is replaced by histidine, an amino acid with similar properties. This amino acid position is conserved. In addition, the in silico prediction for this alteration is inconclusive. Based on the available evidence, the clinical significance of this variant remains unclear.

Labcorp Genetics (formerly Invitae), Labcorp
Classification: Uncertain significance for Peutz-Jeghers syndrome. Last evaluated: 2021-09-18. Review status: criteria provided, single submitter. Criteria: Invitae Variant Classification Sherloc (09022015). Collection method: clinical testing. Allele origin: germline.
Comment: In summary, the available evidence is currently insufficient to determine the role of this variant in disease. Therefore, it has been classified as a Variant of Uncertain Significance. Algorithms developed to predict the effect of missense changes on protein structure and function are either unavailable or do not agree on the potential impact of this missense change (SIFT: "Tolerated"; PolyPhen-2: "Probably Damaging"; Align-GVGD: "Class C0"). This variant has not been reported in the literature in individuals affected with STK11-related conditions. This variant is not present in population databases (ExAC no frequency). This sequence change replaces aspartic acid with histidine at codon 23 of the STK11 protein (p.Asp23His). The aspartic acid residue is highly conserved and there is a moderate physicochemical difference between aspartic acid and histidine.